The following is an entry in ClinVar:

NM_001267550.2(TTN):c.43086+3A>G

Gene: TTN (titin; minus strand). Cytogenetic location: 2q31.2.
Variant type: single nucleotide variant.
Coding change: c.43086+3A>G on transcript NM_001267550.2 (MANE Select); 3 bases into the intron after coding-DNA position 43086, A replaced by G.
Molecular consequence: intron variant.
Genome position (GRCh38, 1-based): chr2:178,633,184, T>C on the plus strand (A>G on the coding strand, the complement: TTN is on the minus strand). VCF-style: chr2-178633184-T-C. GRCh37 (hg19) VCF-style: chr2-179497911-T-C.
Other names: c.15891+3A>G (NM_003319.4); c.16467+3A>G (NM_133437.4); c.16266+3A>G (NM_133432.3); c.35382+3A>G (NM_133378.4); c.38163+3A>G (NM_001256850.1).
Identifiers: ClinVar variation 1020658 (VCV001020658.11), dbSNP rs2060017452, ClinGen allele CA1310557042.
Genomic context (GRCh38, chr2:178,633,184, plus strand): 5'-CCTTTTTTCACCCTACACAACCAAGCAACCCCTCTCCTATATAATTAGCTAATCTTGACT[T>C]ACAGGGGAAGCTGTCAAAGGCTGTCCTTTCAGCTTCCACTGGCCGTGAACATCAGGTTCA-3'

ClinVar aggregate classification (germline): Uncertain significance (1 of 4 stars; one submission).

Conditions:
Dilated cardiomyopathy 1G (CMD1G). Identifiers: Orphanet 154, MedGen C1858763, MONDO:0011400, OMIM 604145.
Autosomal recessive limb-girdle muscular dystrophy type 2J (LGMDR10). Also called: Limb-girdle muscular dystrophy, type 2J; MUSCULAR DYSTROPHY, LIMB-GIRDLE, AUTOSOMAL RECESSIVE 10. Identifiers: Orphanet 140922, MedGen C1837342, MONDO:0012127, OMIM 608807.

Allele frequency attached by ClinVar (database versions not stated): gnomAD exomes below 0.00001.
gnomAD v4.1: 1 of 1,610,000 alleles (0.000062%); highest among the groups gnomAD compares: Admixed American, 0.0017%; no homozygotes.

Submission:

Labcorp Genetics (formerly Invitae), Labcorp
Classification: Uncertain significance for Dilated cardiomyopathy 1G; Autosomal recessive limb-girdle muscular dystrophy type 2J. Last evaluated: 2020-01-31. Review status: criteria provided, single submitter. Criteria: Invitae Variant Classification Sherloc (09022015). Collection method: clinical testing. Allele origin: germline.
Comment: This variant is located in the I band of TTN (PMID: 25589632). Variants in this region may be relevant for neuromuscular disorders, but have not been definitively shown to cause cardiomyopathy (PMID: 23975875). In summary, the available evidence is currently insufficient to determine the role of this variant in disease. Therefore, it has been classified as a Variant of Uncertain Significance. Nucleotide substitutions within the consensus splice site are a relatively common cause of aberrant splicing (PMID: 17576681, 9536098). Algorithms developed to predict the effect of sequence changes on RNA splicing suggest that this variant is not likely to affect RNA splicing, but this prediction has not been confirmed by published transcriptional studies. This variant has not been reported in the literature in individuals with TTN-related conditions. This variant is not present in population databases (ExAC no frequency). This sequence change falls in intron 233 of the TTN gene. It does not directly change the encoded amino acid sequence of the TTN protein, but it affects a nucleotide within the consensus splice site of the intron.

Literature cited by the submitters: PubMed 25589632; PubMed 23975875; PubMed 17576681; PubMed 9536098.